The following is an entry in ClinVar:

NM_000130.5(F5):c.4376A>T (p.Asp1459Val)

Gene: F5 (coagulation factor V; minus strand). Cytogenetic location: 1q24.2.
Variant type: single nucleotide variant.
Coding change: c.4376A>T on transcript NM_000130.5 (MANE Select); coding-DNA position 4376, A replaced by T.
Protein change: p.Asp1459Val; replaces aspartic acid 1459 with valine.
Molecular consequence: missense variant.
Genome position (GRCh38, 1-based): chr1:169,540,714, T>A on the plus strand (A>T on the coding strand, the complement: F5 is on the minus strand). VCF-style: chr1-169540714-T-A. GRCh37 (hg19) VCF-style: chr1-169509952-T-A.
Other names: short protein forms D1459V.
Identifiers: ClinVar variation 4619033 (VCV004619033.1).

ClinVar aggregate classification (germline): Uncertain significance (1 of 4 stars; one submission).

Conditions:
Inborn genetic diseases. Identifiers: MedGen C0950123, MeSH D030342.

Submission:

Ambry Genetics
Classification: Uncertain significance for Inborn genetic diseases. Last evaluated: 2025-10-23. Review status: criteria provided, single submitter. Criteria: Ambry Variant Classification Scheme 2023. Collection method: clinical testing. Allele origin: germline.
Comment: The p.D1459V variant (also known as c.4376A>T), located in coding exon 13 of the F5 gene, results from an A to T substitution at nucleotide position 4376. The aspartic acid at codon 1459 is replaced by valine, an amino acid with highly dissimilar properties. This amino acid position is conserved. In addition, the in silico prediction for this alteration is inconclusive. Based on the available evidence, the clinical significance of this variant remains unclear.